The following is an entry in ClinVar:

ClinVar aggregate classification (germline): Pathogenic. Review status: criteria provided, multiple submitters, no conflicts (2 of 4 stars). 25 submissions from 25 submitters: Pathogenic (21). 4 of the submissions do not count toward it. Last evaluated 2026-01-09.

Conditions:
MYBPC3-related disorder. Also called: MYBPC3-related disorders; MYBPC3-related condition; MYBPC3-related disease.
Hypertrophic cardiomyopathy 4. Also called: Familial hypertrophic cardiomyopathy 4. Identifiers: MedGen C1861862, MONDO:0007268, OMIM 115197.
Left ventricular noncompaction 10 (LVNC10). Identifiers: Orphanet 154, Orphanet 54260, MedGen C3715165, MONDO:0014163, OMIM 615396.
Cardiovascular phenotype. Identifiers: MedGen CN230736.
Cardiomyopathy (CMYO). Also called: Cardiomyopathies. Identifiers: Orphanet 167848, MedGen C0878544, MONDO:0004994, HP:0001638. Inheritance: Various modes of inheritance.
Primary familial hypertrophic cardiomyopathy (HCM). Identifiers: Orphanet 99739, MedGen C0949658, MeSH D024741, MONDO:0024573. Inheritance: Various modes of inheritance.
Hypertrophic cardiomyopathy. Also called: HYPERTROPHIC MYOCARDIOPATHY. Identifiers: Orphanet 217569, MedGen C0007194, MeSH D002312, MONDO:0005045, HP:0001639.

Allele frequency attached by ClinVar (database versions not stated): TOPMed 0.00001; gnomAD 0.00003; gnomAD exomes 0.00001.

Submissions 1 to 13 of 25:

Labcorp Genetics (formerly Invitae), Labcorp
Classification: Pathogenic for Hypertrophic cardiomyopathy. Last evaluated: 2026-01-09. Review status: criteria provided, single submitter. Criteria: Invitae Variant Classification Sherloc (09022015). Collection method: clinical testing. Allele origin: germline.
Comment: This sequence change affects an acceptor splice site in intron 11 of the MYBPC3 gene. It is expected to disrupt RNA splicing. Variants that disrupt the donor or acceptor splice site typically lead to a loss of protein function (PMID: 16199547), and loss-of-function variants in MYBPC3 are known to be pathogenic (PMID: 19574547). The frequency data for this variant in the population databases is considered unreliable, as metrics indicate poor data quality at this position in the gnomAD database. Disruption of this splice site has been observed in individuals with hypertrophic cardiomyopathy (PMID: 9562578, 22574137, 25078086, 27532257). It has also been observed to segregate with disease in related individuals. ClinVar contains an entry for this variant (Variation ID: 42806). Algorithms developed to predict the effect of sequence changes on RNA splicing suggest that this variant may disrupt the consensus splice site. For these reasons, this variant has been classified as Pathogenic.

GeneDx
Classification: Pathogenic. Last evaluated: 2025-10-21. Review status: criteria provided, single submitter. Criteria: GeneDx Variant Classification Process June 2021. Collection method: clinical testing. Allele origin: germline. Affected: yes.
Comment: Not observed at significant frequency in large population cohorts (gnomAD); Canonical splice site variant predicted to result in a null allele in a gene for which loss of function is a known mechanism of disease; This variant is associated with the following publications: (PMID: 25525159, 30775854, 31006259, 20019025, 7493026, 12707239, 18957093, 22574137, 25078086, 26654849, 26358504, 25583989, 26920199, 27532257, 24510615, 25351510, 32341788, 31513939, 30847666, 31568572, 31333075, 33757590, 24704860, 33906374, 33673806, 37089884, 37937776, 37652022, 34400558, 35653365, 34076677, 9562578, 26914223, 39096151)

PreventionGenetics, part of Exact Sciences
Classification: Pathogenic for MYBPC3-related condition. Last evaluated: 2025-10-11. Review status: criteria provided, single submitter. Criteria: ACMG Guidelines, 2015. Collection method: clinical testing. Allele origin: germline.
Comment: The MYBPC3 c.927-2A>G variant is predicted to disrupt the AG splice acceptor site and interfere with normal splicing. This variant is a founder variant causative for hypertrophic cardiomyopathy (HCM) in the Icelandic population (Adalsteinsdottir et al. 2014. PubMed ID: 25078086; Adalsteinsdottir et al. 2020. PubMed ID: 32341788). It has also been reported in individuals with HCM in other populations (described as Int12ASA-2G, Niimura et al. 1998. PubMed ID: 9562578; Yiu et al. 2012. PubMed ID: 22574137; Jääskeläinen et al. 2019. PubMed ID: 30775854). This variant is reported in 0.0020% of alleles in individuals of European (Non-Finnish) descent in gnomAD. It is interpreted as pathogenic by multiple submitters in ClinVar (Variation ID: 42806). Variants that disrupt the consensus splice acceptor site in MYBPC3 are expected to be pathogenic. This variant is interpreted as pathogenic.

Department of Human Genetics, Hannover Medical School
Classification: Pathogenic for Hypertrophic cardiomyopathy 4. Last evaluated: 2025-05-15. Review status: criteria provided, single submitter. Criteria: ACMG Guidelines, 2015. Collection method: clinical testing. Allele origin: germline. Inheritance: Autosomal dominant inheritance. Affected: yes.
Comment: ClinGen MYBPC3 VCEP: PVS1, PS1_Supporting, PS4_Strong, PM2_Supporting, PP1_Strong

Variantyx, Inc.
Classification: Pathogenic for Hypertrophic cardiomyopathy 4. Last evaluated: 2025-05-02. Review status: criteria provided, single submitter. Criteria: Variantyx Assertion Criteria 2022. Collection method: clinical testing. Allele origin: germline. Inheritance: Autosomal dominant inheritance. Affected: yes.
Comment: This is a canonical splicing variant in the MYBPC3 gene (OMIM: 600958). Pathogenic variants in this gene have been associated with autosomal dominant hypertrophic cardiomyopathy 4. This splicing variant is expected to result in loss of function, which is a known disease mechanism for MYBPC3 in this disorder (PMID: 19574547) (PVS1). It has been observed to segregate with disease in at least 11 individuals from 2 families (PMID: 9562578 ) (PP1) and it has a 0.0012% maximum allele frequency in non-founder control populations (PM2). Based on the current evidence, this variant is classified as pathogenic for autosomal dominant hypertrophic cardiomyopathy 4.

CeGaT Center for Human Genetics Tuebingen
Classification: Pathogenic. Last evaluated: 2025-01-01. Review status: criteria provided, single submitter. Criteria: CeGaT Center For Human Genetics Tuebingen Variant Classification Criteria Version 2. Collection method: clinical testing. Allele origin: germline. Affected: yes. Observed: 3 variant alleles.
Comment: MYBPC3: PVS1, PM2, PS4:Moderate

Blueprint Genetics
Classification: Pathogenic for MYBPC3-related disorders. Last evaluated: 2024-10-17. Review status: criteria provided, single submitter. Criteria: ACMG Guidelines, 2015. Collection method: clinical testing. Allele origin: germline. Affected: yes. Observed: 5 variant alleles.

Mayo Clinic Laboratories, Mayo Clinic
Classification: Pathogenic. Last evaluated: 2024-01-31. Review status: criteria provided, single submitter. Criteria: ACMG Guidelines, 2015. Collection method: clinical testing. Allele origin: germline. Observed: 2 variant alleles.

Institute of Human Genetics, University of Leipzig Medical Center
Classification: Pathogenic for Hypertrophic cardiomyopathy 4. Last evaluated: 2023-10-16. Review status: criteria provided, single submitter. Criteria: ACMG Guidelines, 2015. Collection method: clinical testing. Allele origin: unknown. Affected: yes.
Comment: Criteria applied: PVS1,PS4,PM2_SUP

CHEO Genetics Diagnostic Laboratory, Children's Hospital of Eastern Ontario
Classification: Pathogenic for Cardiomyopathy. Last evaluated: 2023-03-07. Review status: criteria provided, single submitter. Criteria: ACMG Guidelines, 2015. Collection method: clinical testing. Allele origin: germline.

Institute of Immunology and Genetics Kaiserslautern
Classification: Pathogenic for Hypertrophic cardiomyopathy 4; Left ventricular noncompaction 10. Last evaluated: 2022-12-02. Review status: criteria provided, single submitter. Criteria: ACMG Guidelines, 2015. Collection method: clinical testing. Allele origin: germline. Affected: yes.
Comment: ACMG Criteria: PM2, PVS1, PP5, PP1; Variant was found in heterozygous state.

Women's Health and Genetics/Laboratory Corporation of America, LabCorp
Classification: Pathogenic for Primary familial hypertrophic cardiomyopathy. Last evaluated: 2022-07-28. Review status: criteria provided, single submitter. Criteria: LabCorp Variant Classification Summary - May 2015. Collection method: clinical testing. Allele origin: germline.
Comment: Variant summary: MYBPC3 c.927-2A>G alters a conserved nucleotide located in a canonical splice-site and is predicted to affect mRNA splicing resulting in a significantly altered protein due to either exon skipping, shortening, or inclusion of intronic material. Several computational tools predict a significant impact on normal splicing: Two predict the variant abolishes the canonical 3' splice acceptor site. However, these predictions have yet to be confirmed by functional studies. The variant allele was found at a frequency of 5.1e-06 in 196860 control chromosomes. c.927-2A>G has been reported in the literature in multiple individuals affected with Hypertrophic Cardiomyopathy (example, Richard_2000, Niimura_1998). These data indicate that the variant is very likely to be associated with disease. Ten clinical diagnostic laboratories have submitted clinical-significance assessments for this variant to ClinVar after 2014 without evidence for independent evaluation. All laboratories classified the variant as pathogenic. Based on the evidence outlined above, the variant was classified as pathogenic.

Clinical Genetics Laboratory, Skane University Hospital Lund
Classification: Pathogenic. Last evaluated: 2022-07-13. Review status: criteria provided, single submitter. Criteria: ACMG Guidelines, 2015. Collection method: clinical testing. Allele origin: germline. Affected: yes.

NM_000256.3(MYBPC3):c.927-2A>G

Gene: MYBPC3 (myosin binding protein C3; minus strand). Cytogenetic location: 11p11.2.
Variant type: single nucleotide variant.
Coding change: c.927-2A>G on transcript NM_000256.3 (MANE Select); the canonical splice acceptor site of the intron before coding-DNA position 927, A replaced by G.
Molecular consequence: splice acceptor variant.
Genome position (GRCh38, 1-based): chr11:47,346,372, T>C on the plus strand (A>G on the coding strand, the complement: MYBPC3 is on the minus strand). VCF-style: chr11-47346372-T-C. GRCh37 (hg19) VCF-style: chr11-47367923-T-C.
Identifiers: ClinVar variation 42806 (VCV000042806.98), dbSNP rs397516082, ClinGen allele CA016121.